The following is an entry in ClinVar:

ClinVar aggregate classification (germline): Pathogenic. Review status: criteria provided, multiple submitters, no conflicts (2 of 4 stars). 2 submissions from 2 submitters: Pathogenic (2). Last evaluated 2024-06-28.

Conditions:
Coffin-Siris syndrome 1 (CSS1). Also called: Mental retardation, autosomal dominant 12; ARID1B-Related Coffin-Siris Syndrome. Identifiers: Orphanet 1465, MedGen C3281201, MONDO:0007617, OMIM 135900. Disease mechanism: gain of function.

Submissions (2):

3billion
Classification: Pathogenic for Coffin-Siris syndrome 1. Last evaluated: 2024-06-28. Review status: criteria provided, single submitter. Criteria: ACMG Guidelines, 2015. Collection method: clinical testing. Allele origin: germline. Affected: yes.
Comment: The variant is not observed in the gnomAD v4.0.0 dataset. Predicted Consequence/Location: Frameshift: predicted to result in a loss or disruption of normal protein function through protein truncation. The predicted truncated protein may be shortened by more than 10%. The variant has been previously reported as de novo in a similarly affected individual (PMID: 30349098). The variant has been reported to be associated with ARID1B-related disorder (ClinVar ID: VCV002907369 /PMID: 30349098). Therefore, this variant is classified as Pathogenic according to the recommendation of ACMG/AMP guideline.

Labcorp Genetics (formerly Invitae), Labcorp
Classification: Pathogenic. Last evaluated: 2023-12-11. Review status: criteria provided, single submitter. Criteria: Invitae Variant Classification Sherloc (09022015). Collection method: clinical testing. Allele origin: germline.
Comment: This sequence change creates a premature translational stop signal (p.Glu1858Alafs*8) in the ARID1B gene. While this is not anticipated to result in nonsense mediated decay, it is expected to disrupt the last 392 amino acid(s) of the ARID1B protein. This variant is not present in population databases (gnomAD no frequency). This premature translational stop signal has been observed in individual(s) with ARID1B-related conditions (PMID: 30349098). This variant disrupts a region of the ARID1B protein in which other variant(s) (p.Arg1926*) have been determined to be pathogenic (PMID: 27474218, 31618753; Invitae). This suggests that this is a clinically significant region of the protein, and that variants that disrupt it are likely to be disease-causing. For these reasons, this variant has been classified as Pathogenic.

Literature cited by the submitters: PubMed 30349098 (cited by 3billion and Labcorp Genetics (formerly Invitae), Labcorp); PubMed 27474218 (cited by Labcorp Genetics (formerly Invitae), Labcorp); PubMed 31618753 (cited by Labcorp Genetics (formerly Invitae), Labcorp).

NM_001374828.1(ARID1B):c.5942_5943del (p.Glu1981fs)

Gene: ARID1B (AT-rich interaction domain 1B; plus strand). Cytogenetic location: 6q25.3.
Variant type: Microsatellite.
Coding change: c.5942_5943del on transcript NM_001374828.1 (MANE Select); coding-DNA positions 5942 to 5943, 2 bases deleted (AG; older notation c.5942_5943delAG).
Protein change: p.Glu1981fs; shifts the reading frame from glutamic acid 1981.
Molecular consequence: frameshift variant.
Genome position (GRCh38, 1-based): chr6:157,206,714-157,206,715, AG deleted; deleting any 2 consecutive bases within chr6:157,206,712-157,206,715 gives the same sequence; the c. name uses the placement nearest the transcript's 3' end. VCF-style (leftmost placement, unchanged base first): chr6-157206711-AAG-A. GRCh37 (hg19) VCF-style: chr6-157527845-AAG-A.
Other names: c.5691_5692AG[1], p.Glu1898Alafs (NM_001346813.1); c.3443_3444del, p.Glu1148fs (NM_001363725.2); c.5822_5823del, p.Glu1941fs (NM_001371656.1, NM_001374820.1); c.5783_5784del, p.Glu1928fs (NM_017519.3); c.5571_5572AG[1], p.Glu1858Alafs (NM_020732.3); c.5358_5359AG[1], p.Glu1787Alafs (NM_175863.2); short protein forms E1148fs, E1941fs, E1981fs, E1928fs.
Identifiers: ClinVar variation 2907369 (VCV002907369.4), dbSNP rs2538767958, ClinGen allele CA2695207327.